The following is an entry in ClinVar:

ClinVar aggregate classification (germline): Uncertain significance (1 of 4 stars; one submission).

Allele frequency attached by ClinVar (database versions not stated): gnomAD exomes below 0.00001; TOPMed 0.00001; gnomAD 0.00002; ESP Exome Variant Server 0.00022; 1000 Genomes Project 30x 0.00031; 1000 Genomes Project 0.00040.
gnomAD v4.1: 5 of 1,552,018 alleles (0.00032%); highest among the groups gnomAD compares: African/African-American, 0.0055%; no homozygotes.

Submission:

Labcorp Genetics (formerly Invitae), Labcorp
Classification: Uncertain significance. Last evaluated: 2023-05-02. Review status: criteria provided, single submitter. Criteria: Invitae Variant Classification Sherloc (09022015). Collection method: clinical testing. Allele origin: germline.
Comment: In summary, the available evidence is currently insufficient to determine the role of this variant in disease. Therefore, it has been classified as a Variant of Uncertain Significance. Algorithms developed to predict the effect of missense changes on protein structure and function output the following: SIFT: "Not Available"; PolyPhen-2: "Possibly Damaging"; Align-GVGD: "Not Available". The methionine amino acid residue is found in multiple mammalian species, which suggests that this missense change does not adversely affect protein function. This variant has not been reported in the literature in individuals affected with WDR87-related conditions. This variant is present in population databases (rs375065529, gnomAD 0.01%). This sequence change replaces leucine, which is neutral and non-polar, with methionine, which is neutral and non-polar, at codon 1700 of the WDR87 protein (p.Leu1700Met).

NM_001291088.2(WDR87):c.5215C>A (p.Leu1739Met)

Gene: WDR87 (WD repeat domain 87; minus strand). Cytogenetic location: 19q13.13.
Variant type: single nucleotide variant.
Coding change: c.5215C>A on transcript NM_001291088.2 (MANE Select); coding-DNA position 5215, C replaced by A.
Protein change: p.Leu1739Met; replaces leucine 1739 with methionine.
Molecular consequence: missense variant.
Genome position (GRCh38, 1-based): chr19:37,888,456, G>T on the plus strand (C>A on the coding strand, the complement: WDR87 is on the minus strand). VCF-style: chr19-37888456-G-T. GRCh37 (hg19) VCF-style: chr19-38379096-G-T.
Other names: c.5098C>A, p.Leu1700Met (NM_031951.5); short protein forms L1700M, L1739M.
Identifiers: ClinVar variation 2896770 (VCV002896770.3), dbSNP rs375065529, ClinGen allele CA308021546.